The following is an entry in ClinVar:

NM_000159.4(GCDH):c.79del (p.Ala27fs)

Genes: GCDH (glutaryl-CoA dehydrogenase; plus strand), LOC117125594 (CRISPRi-FlowFISH-validated KLF1 regulatory element; plus strand). Cytogenetic location: 19p13.13.
Variant type: Deletion.
Coding change: c.79del on transcript NM_000159.4 (MANE Select); coding-DNA position 79, one base deleted (G; older notation c.79delG).
Protein change: p.Ala27fs; shifts the reading frame from alanine 27.
Molecular consequence: frameshift variant. On other transcripts: non-coding transcript variant (2).
Genome position (GRCh38, 1-based): chr19:12,891,383, G deleted; the last of 2 consecutive G bases (chr19:12,891,382-12,891,383); deleting either gives the same sequence. VCF-style (leftmost placement, unchanged base first): chr19-12891381-CG-C. GRCh37 (hg19) VCF-style: chr19-13002195-CG-C.
Other names: c.79del, p.Ala27fs (NM_013976.5); c.79delG (NM_000159.4); short protein forms A27fs.
Identifiers: ClinVar variation 371011 (VCV000371011.13), dbSNP rs1057516939, ClinGen allele CA16041961.
Genomic context (GRCh38, chr19:12,891,381, plus strand): 5'-TCTCCGTGCGGCTGCTGAGCCGCGGACCCGGCCTGCACGTCCTTCGCACGTGGGTCTCGT[CG>C]GCGGCGCAGACCGGTCAGTGTGGGGTCGGGAGTGTGGAGGGAAGGAGGGAGGAACTGGGG-3'

ClinVar aggregate classification (germline): Pathogenic. Review status: criteria provided, multiple submitters, no conflicts (2 of 4 stars). 4 submissions from 4 submitters: Pathogenic (3). 1 of the submissions does not count toward it. Last evaluated 2025-04-09.

Conditions:
Glutaric aciduria, type 1. Also called: Glutaric acidemia type I; Glutaricaciduria, type I; Glutaryl-CoA dehydrogenase deficiency; Glutaricacidemia Type 1; Glutaric Acidemia Type 1; GA I. Identifiers: Orphanet 25, MedGen C0268595, MONDO:0009281, OMIM 231670.

Submissions (4):

Women's Health and Genetics/Laboratory Corporation of America, LabCorp
Classification: Pathogenic for Glutaric aciduria, type 1. Last evaluated: 2025-04-09. Review status: criteria provided, single submitter. Criteria: LabCorp Variant Classification Summary - May 2015. Collection method: clinical testing. Allele origin: germline.
Comment: Variant summary: GCDH c.79delG (p.Ala27ArgfsX34) results in a premature termination codon, predicted to cause a truncation of the encoded protein or absence of the protein due to nonsense mediated decay, which are commonly known mechanisms for disease. The variant was absent in 250684 control chromosomes (gnomAD). c.79delG has been reported in the literature in at least one individual affected with Glutaric Acidemia Type 1 (Zayed_2019). To our knowledge, no experimental evidence demonstrating an impact on protein function has been reported. The following publication have been ascertained in the context of this evaluation (PMID: 31062211). ClinVar contains an entry for this variant (Variation ID: 371011). Based on the evidence outlined above, the variant was classified as pathogenic.

Baylor Genetics
Classification: Pathogenic for Glutaric aciduria, type 1. Last evaluated: 2023-09-13. Review status: criteria provided, single submitter. Criteria: ACMG Guidelines, 2015. Collection method: clinical testing. Allele origin: unknown.

Labcorp Genetics (formerly Invitae), Labcorp
Classification: Pathogenic for Glutaric aciduria, type 1. Last evaluated: 2019-06-23. Review status: criteria provided, single submitter. Criteria: Invitae Variant Classification Sherloc (09022015). Collection method: clinical testing. Allele origin: germline.
Comment: For these reasons, this variant has been classified as Pathogenic. Loss-of-function variants in GCDH are known to be pathogenic (PMID: 10699052, 11854167, 16602100). This variant has not been reported in the literature in individuals with GCDH-related conditions. ClinVar contains an entry for this variant (Variation ID: 371011). This variant is not present in population databases (ExAC no frequency). This sequence change creates a premature translational stop signal (p.Ala27Argfs*34) in the GCDH gene. It is expected to result in an absent or disrupted protein product.

Counsyl
Classification: Likely pathogenic for Glutaric aciduria, type 1. Last evaluated: 2016-06-06. Review status: no assertion criteria provided. Collection method: clinical testing. Allele origin: unknown. Not counted in ClinVar's aggregate classification.

Literature cited by the submitters: PubMed 31062211 (cited by Women's Health and Genetics/Laboratory Corporation of America, LabCorp); PubMed 10699052 (cited by Labcorp Genetics (formerly Invitae), Labcorp); PubMed 11854167 (cited by Labcorp Genetics (formerly Invitae), Labcorp); PubMed 16602100 (cited by Labcorp Genetics (formerly Invitae), Labcorp).